The following is an entry in ClinVar:

ClinVar aggregate classification (germline): Uncertain significance (1 of 4 stars; one submission).

Conditions:
Autosomal recessive juvenile Parkinson disease 2. Also called: Parkinson disease autosomal recessive, early onset; Juvenile parkinsonism; Parkinsonism, early onset, with diurnal fluctuation; PRKN-Related Early-Onset Parkinson Disease; PARKINSON DISEASE, JUVENILE, AUTOSOMAL RECESSIVE; Parkinson disease, juvenile, type 2. Identifiers: Orphanet 2828, MedGen C1868675, MONDO:0010820, OMIM 600116.

Submission:

Labcorp Genetics (formerly Invitae), Labcorp
Classification: Uncertain significance for Autosomal recessive juvenile Parkinson disease 2. Last evaluated: 2016-08-05. Review status: criteria provided, single submitter. Criteria: Invitae Variant Classification Sherloc (09022015). Collection method: clinical testing. Allele origin: germline.
Comment: This variant is a gross duplication of the genomic region encompassing exons 5-12 of the PARK2 gene. The 5' boundary is likely confined to intron 4. The 3' end of this event is unknown as it extends beyond the assayed region for this gene and therefore may encompass additional genes. This duplication has not been reported in individuals with a PARK2-related disease. In summary, this is a novel, partial duplication of PARK2. Whether the additional copy of these exons occurs in tandem is unknown, and the impact on PARK2 gene function is uncertain. For these reasons, it has been classified as a Variant of Uncertain Significance.

NC_000006.11:g.(?_161768590)_(162475206_?)dup

Genes: PRKN (parkin RBR E3 ubiquitin protein ligase; minus strand), LOC129997635 (ATAC-STARR-seq lymphoblastoid active region 25414; plus strand), LOC129997636 (ATAC-STARR-seq lymphoblastoid active region 25415; plus strand), LOC105378098 (uncharacterized LOC105378098; plus strand), LOC121132714 (Sharpr-MPRA regulatory region 4750; plus strand) and 4 more. Cytogenetic location: 6q26.
Variant type: Duplication.
Identifiers: ClinVar variation 417462 (VCV000417462.1).